The following is an entry in ClinVar:

ClinVar aggregate classification (germline): Conflicting classifications of pathogenicity. Review status: criteria provided, conflicting classifications (1 of 4 stars). 2 submissions from 2 submitters: Uncertain significance (1); Likely benign (1). Last evaluated 2024-08-05.

Allele frequency attached by ClinVar (database versions not stated): gnomAD exomes below 0.00001 and 0.00001; TOPMed 0.00002; ESP Exome Variant Server 0.00015; gnomAD 0.00001.
gnomAD v4.1: 5 of 1,585,492 alleles (0.00032%); highest among the groups gnomAD compares: East Asian, 0.0045%; no homozygotes.

Submissions (2):

Labcorp Genetics (formerly Invitae), Labcorp
Classification: Uncertain significance. Last evaluated: 2024-08-05. Review status: criteria provided, single submitter. Criteria: Invitae Variant Classification Sherloc (09022015). Collection method: clinical testing. Allele origin: germline.
Comment: This sequence change replaces methionine, which is neutral and non-polar, with valine, which is neutral and non-polar, at codon 292 of the GATAD2B protein (p.Met292Val). This variant is present in population databases (rs138922965, gnomAD 0.001%). This variant has not been reported in the literature in individuals affected with GATAD2B-related conditions. ClinVar contains an entry for this variant (Variation ID: 1690560). Advanced modeling of protein sequence and biophysical properties (such as structural, functional, and spatial information, amino acid conservation, physicochemical variation, residue mobility, and thermodynamic stability) performed at Invitae indicates that this missense variant is not expected to disrupt GATAD2B protein function with a negative predictive value of 80%. In summary, the available evidence is currently insufficient to determine the role of this variant in disease. Therefore, it has been classified as a Variant of Uncertain Significance.

Laboratorio de Genetica e Diagnostico Molecular, Hospital Israelita Albert Einstein
Classification: Likely benign. Last evaluated: 2022-02-03. Review status: criteria provided, single submitter. Criteria: ACMG Guidelines, 2015. Collection method: clinical testing. Allele origin: germline. Affected: yes.
Comment: ACMG classification criteria: BS2, BP4

NM_020699.4(GATAD2B):c.874A>G (p.Met292Val)

Gene: GATAD2B (GATA zinc finger domain containing 2B; minus strand). Cytogenetic location: 1q21.3.
Variant type: single nucleotide variant.
Coding change: c.874A>G on transcript NM_020699.4 (MANE Select); coding-DNA position 874, A replaced by G.
Protein change: p.Met292Val; replaces methionine 292 with valine.
Molecular consequence: missense variant.
Genome position (GRCh38, 1-based): chr1:153,817,398, T>C on the plus strand (A>G on the coding strand, the complement: GATAD2B is on the minus strand). VCF-style: chr1-153817398-T-C. GRCh37 (hg19) VCF-style: chr1-153789874-T-C.
Other names: short protein forms M292V.
Identifiers: ClinVar variation 1690560 (VCV001690560.7), dbSNP rs138922965, ClinGen allele CA30708626.
Genomic context (GRCh38, chr1:153,817,398, plus strand): 5'-TCTGTTTCCACATTAGGGCTCAGCTCTCTCTTACCGGTTGATAATTGATGGCGGGATTCA[T>C]GTTGGGTGTTGTGGTGCGTACAAGGCCAGGCTTAGGCGGGCCCCGCTGACCCTGTAGCTG-3'
Protein context (NP_065750.1, residues 282-302): PGLVRTTTPN[Met292Val]NPAINYQPQS